The following is an entry in ClinVar:

NM_001130965.3(SUN1):c.2168A>C (p.Gln723Pro)

Gene: SUN1 (Sad1 and UNC84 domain containing 1; plus strand). Cytogenetic location: 7p22.3.
Variant type: single nucleotide variant.
Coding change: c.2168A>C on transcript NM_001130965.3 (MANE Select); coding-DNA position 2168, A replaced by C.
Protein change: p.Gln723Pro; replaces glutamine 723 with proline.
Molecular consequence: missense variant. On other transcripts: non-coding transcript variant (3), intron variant (12).
Genome position (GRCh38, 1-based): chr7:872,489, A>C. VCF-style: chr7-872489-A-C. GRCh37 (hg19) VCF-style: chr7-912126-A-C.
Other names: c.2165A>C, p.Gln722Pro (NM_001367694.1); c.2090A>C, p.Gln697Pro (NM_001367695.1); c.2246A>C, p.Gln749Pro (NM_001367696.1); c.2363A>C, p.Gln788Pro (NM_001367697.1); c.2447A>C, p.Gln816Pro (NM_001367698.1); c.2378A>C, p.Gln793Pro (NM_001367700.1, NM_001367655.1); c.2069A>C, p.Gln690Pro (NM_001367701.1); c.2180A>C, p.Gln727Pro (NM_001367702.1, NM_001367704.1); and 55 more; short protein forms Q620P, Q640P, Q701P, Q710P, Q722P, Q739P, Q784P, Q820P.
Identifiers: ClinVar variation 3639348 (VCV003639348.2).

ClinVar aggregate classification (germline): Uncertain significance (1 of 4 stars; one submission).

Conditions:
Emery-Dreifuss muscular dystrophy (EDMD). Also called: Scapuloperoneal syndrome, X-linked (formerly); Humeroperoneal neuromuscular disease, (formerly). Identifiers: Orphanet 261, MedGen C0410189, MONDO:0016830.

gnomAD v4.1: 6 of 1,604,348 alleles (0.00037%); highest among the groups gnomAD compares: Admixed American, 0.01%; no homozygotes.

Submission:

Labcorp Genetics (formerly Invitae), Labcorp
Classification: Uncertain significance for Emery-Dreifuss muscular dystrophy. Last evaluated: 2024-07-01. Review status: criteria provided, single submitter. Criteria: Invitae Variant Classification Sherloc (09022015). Collection method: clinical testing. Allele origin: germline.
Comment: This sequence change replaces glutamine, which is neutral and polar, with proline, which is neutral and non-polar, at codon 723 of the SUN1 protein (p.Gln723Pro). This variant is present in population databases (rs534832884, gnomAD 0.01%). This variant has not been reported in the literature in individuals affected with SUN1-related conditions. An algorithm developed to predict the effect of missense changes on protein structure and function (PolyPhen-2) suggests that this variant is likely to be disruptive. In summary, the available evidence is currently insufficient to determine the role of this variant in disease. Therefore, it has been classified as a Variant of Uncertain Significance.